The following is an entry in ClinVar:

ClinVar aggregate classification (germline): Uncertain significance (1 of 4 stars; one submission).

Conditions:
Brachyolmia-amelogenesis imperfecta syndrome. Also called: PLATYSPONDYLY WITH AMELOGENESIS IMPERFECTA; Tooth agenesis, selective, 6; Dental anomalies and short stature. Identifiers: Orphanet 2899, MedGen C1832594, MONDO:0011018, OMIM 601216. Disease mechanism: loss of function.

Submission:

Labcorp Genetics (formerly Invitae), Labcorp
Classification: Uncertain significance for Brachyolmia-amelogenesis imperfecta syndrome. Last evaluated: 2025-12-14. Review status: criteria provided, single submitter. Criteria: Invitae Variant Classification Sherloc (09022015). Collection method: clinical testing. Allele origin: germline.
Comment: This sequence change falls in intron 15 of the LTBP3 gene. It does not directly change the encoded amino acid sequence of the LTBP3 protein. This variant is present in population databases (rs778900036, gnomAD 0.05%). This variant has not been reported in the literature in individuals affected with LTBP3-related conditions. ClinVar contains an entry for this variant (Variation ID: 2156097). Algorithms developed to predict the effect of sequence changes on RNA splicing suggest that this variant may disrupt the consensus splice site. In summary, the available evidence is currently insufficient to determine the role of this variant in disease. Therefore, it has been classified as a Variant of Uncertain Significance.

NM_001130144.3(LTBP3):c.2231-5C>G

Genes: LTBP3 (latent transforming growth factor beta binding protein 3; minus strand), LOC130006029 (ATAC-STARR-seq lymphoblastoid silent region 3532; plus strand). Cytogenetic location: 11q13.1.
Variant type: single nucleotide variant.
Coding change: c.2231-5C>G on transcript NM_001130144.3 (MANE Select); 5 bases into the intron before coding-DNA position 2231, C replaced by G.
Molecular consequence: intron variant.
Genome position (GRCh38, 1-based): chr11:65,546,569, G>C on the plus strand (C>G on the coding strand, the complement: LTBP3 is on the minus strand). VCF-style: chr11-65546569-G-C. GRCh37 (hg19) VCF-style: chr11-65314040-G-C.
Other names: c.1880-5C>G (NM_001164266.1); c.2231-5C>G (NM_021070.4).
Identifiers: ClinVar variation 2156097 (VCV002156097.4), dbSNP rs778900036, ClinGen allele CA6100674.